The following is an entry in ClinVar:

NC_000017.11:g.(?_31327499)_(31327839_?)del

Gene: NF1 (neurofibromin 1; plus strand). Cytogenetic location: 17q11.2.
Variant type: Deletion.
Identifiers: ClinVar variation 417335 (VCV000417335.1).

ClinVar aggregate classification (germline): Pathogenic (1 of 4 stars; one submission).

Conditions:
Neurofibromatosis, type 1 (NF1). Also called: NEUROFIBROMATOSIS, TYPE I, SOMATIC; Peripheral type neurofibromatosis; Neurofibromatosis, type I; VON RECKLINGHAUSEN DISEASE. Identifiers: Orphanet 636, MedGen C0027831, MONDO:0018975, OMIM 162200. Disease mechanism: loss of function.

Submission:

Labcorp Genetics (formerly Invitae), Labcorp
Classification: Pathogenic for Neurofibromatosis, type 1. Last evaluated: 2016-05-15. Review status: criteria provided, single submitter. Criteria: Invitae Variant Classification Sherloc (09022015). Collection method: clinical testing. Allele origin: germline.
Comment: This variant is a gross deletion of the genomic region encompassing exon 37 of the NF1 gene. This creates a premature translational stop signal and is expected to result in an absent or disrupted protein product. While this particular variant has not been reported in the literature, truncating variants in NF1 are known to be pathogenic (PMID: 10712197, 23913538). For these reasons, this variant has been classified as Pathogenic.